The following is an entry in ClinVar:

ClinVar aggregate classification (germline): Uncertain significance. Review status: criteria provided, multiple submitters, no conflicts (2 of 4 stars). 2 submissions from 2 submitters: Uncertain significance (2). Last evaluated 2025-07-12.

Conditions:
Inborn genetic diseases. Identifiers: MedGen C0950123, MeSH D030342.

gnomAD v4.1: 1 of 1,613,918 alleles (0.000062%); highest among the groups gnomAD compares: Non-Finnish European, 0.000085%; no homozygotes.

Submissions (2):

Ambry Genetics
Classification: Uncertain significance for Inborn genetic diseases. Last evaluated: 2025-07-12. Review status: criteria provided, single submitter. Criteria: Ambry Variant Classification Scheme 2023. Collection method: clinical testing. Allele origin: germline.
Comment: The p.H1151R variant (also known as c.3452A>G), located in coding exon 1 of the SAMD9L gene, results from an A to G substitution at nucleotide position 3452. The histidine at codon 1151 is replaced by arginine, an amino acid with highly similar properties. This amino acid position is conserved. In addition, this alteration is predicted to be tolerated by in silico analysis. Based on the available evidence, the clinical significance of this variant remains unclear.

GeneDx
Classification: Uncertain significance. Last evaluated: 2024-06-25. Review status: criteria provided, single submitter. Criteria: GeneDx Variant Classification Process June 2021. Collection method: clinical testing. Allele origin: germline. Affected: yes.
Comment: Not observed at significant frequency in large population cohorts (gnomAD); In silico analysis indicates that this missense variant does not alter protein structure/function; Has not been previously published as pathogenic or benign to our knowledge; This variant is associated with the following publications: (PMID: 28545555)

NM_152703.5(SAMD9L):c.3452A>G (p.His1151Arg)

Gene: SAMD9L (sterile alpha motif domain containing 9 like; minus strand). Cytogenetic location: 7q21.2.
Variant type: single nucleotide variant.
Coding change: c.3452A>G on transcript NM_152703.5 (MANE Select); coding-DNA position 3452, A replaced by G.
Protein change: p.His1151Arg; replaces histidine 1151 with arginine.
Molecular consequence: missense variant.
Genome position (GRCh38, 1-based): chr7:93,132,520, T>C on the plus strand (A>G on the coding strand, the complement: SAMD9L is on the minus strand). VCF-style: chr7-93132520-T-C. GRCh37 (hg19) VCF-style: chr7-92761833-T-C.
Other names: c.3452A>G (NM_152703.2); c.3452A>G, p.His1151Arg (NM_001303496.3, NM_001303497.3, NM_001303498.3 and 5 more transcripts); short protein forms H1151R.
Identifiers: ClinVar variation 3392838 (VCV003392838.2).